The following is an entry in ClinVar:

NM_053025.4(MYLK):c.5567A>G (p.Gln1856Arg)

Genes: MYLK (myosin light chain kinase; minus strand), MYLK-AS1 (MYLK antisense RNA 1; plus strand). Cytogenetic location: 3q21.1.
Variant type: single nucleotide variant.
Coding change: c.5567A>G on transcript NM_053025.4 (MANE Select); coding-DNA position 5567, A replaced by G.
Protein change: p.Gln1856Arg; replaces glutamine 1856 with arginine.
Molecular consequence: missense variant.
Genome position (GRCh38, 1-based): chr3:123,614,283, T>C on the plus strand (A>G on the coding strand, the complement: MYLK is on the minus strand). VCF-style: chr3-123614283-T-C. GRCh37 (hg19) VCF-style: chr3-123333130-T-C.
Other names: c.5039A>G, p.Gln1680Arg (NM_001321309.2); c.5360A>G, p.Gln1787Arg (NM_053026.4); c.5414A>G, p.Gln1805Arg (NM_053027.4); c.5207A>G, p.Gln1736Arg (NM_053028.4); c.284A>G, p.Gln95Arg (NM_053031.4); c.287A>G, p.Gln96Arg (NM_053032.4); short protein forms Q1680R, Q1736R, Q1787R, Q1805R, Q1856R, Q95R, Q96R.
Identifiers: ClinVar variation 2572844 (VCV002572844.1), dbSNP rs2472733026, ClinGen allele CA354229251.
Genomic context (GRCh38, chr3:123,614,283, plus strand): 5'-TCATCCCCGCAAACATCACTAATAATTAAAGAGCAGTTCCCGTCCTCATCGTAGTCTATC[T>C]GGAAGTGGCGGGACTCCCTGATTGACTGGTCATCTTTGAACCAGACAACCTCGGGGTCTG-3'
Protein context (NP_444253.3, residues 1846-1866): DQSIRESRHF[Gln1856Arg]IDYDEDGNCS

ClinVar aggregate classification (germline): Uncertain significance (1 of 4 stars; one submission).

Submission:

GeneDx
Classification: Uncertain significance. Last evaluated: 2023-01-12. Review status: criteria provided, single submitter. Criteria: GeneDx Variant Classification Process June 2021. Collection method: clinical testing. Allele origin: germline. Affected: yes.
Comment: Not observed at significant frequency in large population cohorts (gnomAD); In silico analysis supports that this missense variant does not alter protein structure/function; Has not been previously published as pathogenic or benign to our knowledge